The following is an entry in ClinVar:

NM_000179.3(MSH6):c.3173-3C>G

Gene: MSH6 (mutS homolog 6; plus strand). Cytogenetic location: 2p16.3.
Variant type: single nucleotide variant.
Coding change: c.3173-3C>G on transcript NM_000179.3 (MANE Select); 3 bases into the intron before coding-DNA position 3173, C replaced by G.
Molecular consequence: intron variant.
Genome position (GRCh38, 1-based): chr2:47,803,417, C>G. VCF-style: chr2-47803417-C-G. GRCh37 (hg19) VCF-style: chr2-48030556-C-G.
Other names: c.2267-3C>G (NM_001281493.2, NM_001281494.2); c.2783-3C>G (NM_001281492.2).
Identifiers: ClinVar variation 410528 (VCV000410528.10), dbSNP rs1060502944, ClinGen allele CA16611020.

ClinVar aggregate classification (germline): Pathogenic/Likely pathogenic. Review status: criteria provided, multiple submitters, no conflicts (2 of 4 stars). 3 submissions from 3 submitters: Pathogenic (1); Likely pathogenic (1). 1 of the submissions does not count toward it. Last evaluated 2026-02-09.

Conditions:
Hereditary nonpolyposis colorectal neoplasms. Identifiers: MedGen C0009405, MeSH D003123.
Lynch syndrome. Identifiers: Orphanet 144, MedGen C4552100, MONDO:0005835. Disease mechanism: loss of function.
Hereditary cancer-predisposing syndrome. Also called: Neoplastic Syndromes, Hereditary; Tumor predisposition; Hereditary neoplastic syndrome; Hereditary Cancer Syndrome. Identifiers: Orphanet 140162, MedGen C0027672, MeSH D009386, MONDO:0015356.

gnomAD v4.1: 1 of 1,614,148 alleles (0.000062%); highest among the groups gnomAD compares: Non-Finnish European, 0.000085%; no homozygotes.

Submissions (3):

Ambry Genetics
Classification: Likely pathogenic for Hereditary cancer-predisposing syndrome. Last evaluated: 2026-02-09. Review status: criteria provided, single submitter. Criteria: Ambry Variant Classification Scheme 2023. Collection method: clinical testing. Allele origin: germline.
Comment: The c.3173-3C>G intronic variant results from a C to G substitution 3 nucleotides upstream from coding exon 5 in the MSH6 gene. This variant has been identified in a probands whose Lynch syndrome-associated tumor demonstrated high microsatellite instability and/or loss of MSH6 expression by immunohistochemistry (Li S et al. J. Med. Genet. 2020 Jan;57:62-69; external laboratory data). This nucleotide position is well conserved in available vertebrate species. In silico splice site analysis predicts that this alteration will weaken the native splice acceptor site. This variant is considered to be rare based on population cohorts in the Genome Aggregation Database (gnomAD). Based on the majority of available evidence to date, this variant is likely to be pathogenic.

Labcorp Genetics (formerly Invitae), Labcorp
Classification: Pathogenic for Hereditary nonpolyposis colorectal neoplasms. Last evaluated: 2023-09-25. Review status: criteria provided, single submitter. Criteria: Invitae Variant Classification Sherloc (09022015). Collection method: clinical testing. Allele origin: germline.
Comment: For these reasons, this variant has been classified as Pathogenic. This sequence change falls in intron 4 of the MSH6 gene. It does not directly change the encoded amino acid sequence of the MSH6 protein. RNA analysis indicates that this variant induces altered splicing and likely results in the loss of 57 amino acid residue(s), but is expected to preserve the integrity of the reading-frame. This variant is not present in population databases (gnomAD no frequency). This variant has been observed in individuals with Lynch syndrome (Invitae). ClinVar contains an entry for this variant (Variation ID: 410528). Variants that disrupt the consensus splice site are a relatively common cause of aberrant splicing (PMID: 17576681, 9536098). Studies have shown that this variant results in the activation of a cryptic splice site in exon 5 (Invitae). This variant disrupts a region of the MSH6 protein in which other variant(s) (p.Leu1063Arg) have been determined to be pathogenic (PMID: 23733757, 24362816, 26099011, 28531214). This suggests that this is a clinically significant region of the protein, and that variants that disrupt it are likely to be disease-causing.

Department of Pathology and Laboratory Medicine, Sinai Health System
Classification: Uncertain significance for Lynch syndrome. Review status: no assertion criteria provided. Collection method: clinical testing. Allele origin: unknown. Affected: yes. Study: The Canadian Open Genetics Repository (COGR). Not counted in ClinVar's aggregate classification.
Comment: The MSH6 c.3173-3C>G variant was identified in a sample submitted to the "InSiGHT Colon Cancer Database" within LOVD by an unpublished source. This source remarks that the variant causes a splicing defect of an in-frame deletion of 58 amino acids within exon 5; in addition, the tumour sample showed a loss of MSH6 expression by IHC and high microsatellite instability. The c.3173-3C>G variant is located in the 3' splice region but does not affect the invariant -1 and -2 positions. However, positions -3 and -5 to -12 are part of the splicing consensus sequence and variants involving these positions sometimes affect splicing. In silico or computational prediction software programs (SpliceSiteFinder, MaxEntScan, NNSPLICE, GeneSplicer, HumanSpliceFinder) predict a greater than 10% difference in splicing in all 5 programs; however, this information is not predictive enough to assume pathogenicity. The variant was not identified in the literature, nor in any other database searches (dbSNP, NHLBI Exome Sequencing Project (Exome Variant Server), Exome Aggregation Consortium (ExAC) database, Clinvitae, COSMIC, â€šÃ„ÃºMismatch Repair Genes Variant Databaseâ€šÃ„Ã¹, â€šÃ„ÃºMMR Gene Unclassified Variants Databaseâ€šÃ„Ã¹, â€šÃ„ÃºZhejiang Colon Cancer Databaseâ€šÃ„Ã¹, ClinVar, UMD). In summary, based on the above information, the clinical significance of this variant cannot be determined with certainty at this time. This variant is classified as a variant of unknown significance.

Literature cited by the submitters: PubMed 17576681 (cited by Labcorp Genetics (formerly Invitae), Labcorp); PubMed 9536098 (cited by Labcorp Genetics (formerly Invitae), Labcorp); PubMed 23733757 (cited by Labcorp Genetics (formerly Invitae), Labcorp); PubMed 24362816 (cited by Labcorp Genetics (formerly Invitae), Labcorp); PubMed 26099011 (cited by Labcorp Genetics (formerly Invitae), Labcorp); PubMed 28531214 (cited by Labcorp Genetics (formerly Invitae), Labcorp).